The following is an entry in ClinVar:

ClinVar aggregate classification (germline): Uncertain significance (1 of 4 stars; one submission).

Submission:

Labcorp Genetics (formerly Invitae), Labcorp
Classification: Uncertain significance. Last evaluated: 2024-05-07. Review status: criteria provided, single submitter. Criteria: Invitae Variant Classification Sherloc (09022015). Collection method: clinical testing. Allele origin: germline.
Comment: This sequence change replaces alanine, which is neutral and non-polar, with threonine, which is neutral and polar, at codon 60 of the HMOX1 protein (p.Ala60Thr). This variant is not present in population databases (gnomAD no frequency). This variant has not been reported in the literature in individuals affected with HMOX1-related conditions. An algorithm developed to predict the effect of missense changes on protein structure and function (PolyPhen-2) suggests that this variant is likely to be disruptive. In summary, the available evidence is currently insufficient to determine the role of this variant in disease. Therefore, it has been classified as a Variant of Uncertain Significance.

NM_002133.3(HMOX1):c.178G>A (p.Ala60Thr)

Gene: HMOX1 (heme oxygenase 1; plus strand). Cytogenetic location: 22q12.3.
Variant type: single nucleotide variant.
Coding change: c.178G>A on transcript NM_002133.3 (MANE Select); coding-DNA position 178, G replaced by A.
Protein change: p.Ala60Thr; replaces alanine 60 with threonine.
Molecular consequence: missense variant.
Genome position (GRCh38, 1-based): chr22:35,386,718, G>A. VCF-style: chr22-35386718-G-A. GRCh37 (hg19) VCF-style: chr22-35782711-G-A.
Other names: short protein forms A60T.
Identifiers: ClinVar variation 3652510 (VCV003652510.2).
Genomic context (GRCh38, chr22:35,386,718, plus strand): 5'-GGCCTGACCTGCTCACTCTGCTTTCAGCTGGTGATGGCCTCCCTGTACCACATCTATGTG[G>A]CCCTGGAGGAGGAGATTGAGCGCAACAAGGAGAGCCCAGTCTTCGCCCCTGTCTACTTCC-3'
Protein context (NP_002124.1, residues 50-70): VMASLYHIYV[Ala60Thr]LEEEIERNKE